The following is an entry in ClinVar:

ClinVar aggregate classification (germline): Likely pathogenic (1 of 4 stars; one submission).

Conditions:
COL1A1-related disorder. Also called: COL1A1-related condition; COL1A1- related disease.

Submission:

3billion
Classification: Likely pathogenic for COL1A1-related disorder. Last evaluated: 2025-11-12. Review status: criteria provided, single submitter. Criteria: ACMG Guidelines, 2015. Collection method: clinical testing. Allele origin: germline. Affected: yes.
Comment: The variant is not observed in the gnomAD v4.1.0 dataset. Predicted Consequence/Location: Frameshift: predicted to result in a loss or disruption of normal protein function through nonsense-mediated decay (NMD) or protein truncation. Multiple pathogenic variants are reported downstream of the variant. Therefore, this variant is classified as Likely pathogenic according to the recommendation of ACMG/AMP guideline.

NM_000088.4(COL1A1):c.814_815dup (p.Leu273fs)

Genes: COL1A1 (collagen type I alpha 1 chain; minus strand), LOC126862586 (CDK7 strongly-dependent group 2 enhancer GRCh37_chr17:48273702-48274901; plus strand). Cytogenetic location: 17q21.33.
Variant type: Duplication.
Coding change: c.814_815dup on transcript NM_000088.4 (MANE Select); coding-DNA positions 814 to 815, 2 bases duplicated (GG; older notation c.814_815dupGG).
Protein change: p.Leu273fs; shifts the reading frame from leucine 273.
Molecular consequence: frameshift variant.
Genome position (GRCh38, 1-based): chr17:50,196,660-50,196,661, CC duplicated on the plus strand (GG on the coding strand, the reverse complement: COL1A1 is on the minus strand). VCF-style (leftmost placement, unchanged base first): chr17-50196659-A-ACC. GRCh37 (hg19) VCF-style: chr17-48274020-A-ACC.
Other names: short protein forms L273fs.
Identifiers: ClinVar variation 4856016 (VCV004856016.1).